The following is an entry in ClinVar:

ClinVar aggregate classification (germline): Uncertain significance (1 of 4 stars; one submission).

Submission:

Labcorp Genetics (formerly Invitae), Labcorp
Classification: Uncertain significance. Last evaluated: 2022-05-17. Review status: criteria provided, single submitter. Criteria: Invitae Variant Classification Sherloc (09022015). Collection method: clinical testing. Allele origin: germline.
Comment: This sequence change replaces proline, which is neutral and non-polar, with threonine, which is neutral and polar, at codon 269 of the NEK2 protein (p.Pro269Thr). This variant is present in population databases (no rsID available, gnomAD 0.01%). This variant has not been reported in the literature in individuals affected with NEK2-related conditions. Algorithms developed to predict the effect of missense changes on protein structure and function (SIFT, PolyPhen-2, Align-GVGD) all suggest that this variant is likely to be tolerated. In summary, the available evidence is currently insufficient to determine the role of this variant in disease. Therefore, it has been classified as a Variant of Uncertain Significance.

NM_002497.4(NEK2):c.805C>A (p.Pro269Thr)

Gene: NEK2 (NIMA related kinase 2; minus strand). Cytogenetic location: 1q32.3.
Variant type: single nucleotide variant.
Coding change: c.805C>A on transcript NM_002497.4 (MANE Select); coding-DNA position 805, C replaced by A.
Protein change: p.Pro269Thr; replaces proline 269 with threonine.
Molecular consequence: missense variant.
Genome position (GRCh38, 1-based): chr1:211,669,293, G>T on the plus strand (C>A on the coding strand, the complement: NEK2 is on the minus strand). VCF-style: chr1-211669293-G-T. GRCh37 (hg19) VCF-style: chr1-211842635-G-T.
Other names: c.805C>A, p.Pro269Thr (NM_001204182.2, NM_001204183.2); short protein forms P269T.
Identifiers: ClinVar variation 1995687 (VCV001995687.4), dbSNP rs149647934, ClinGen allele CA344779244.